The following is an entry in ClinVar:

NM_000717.5(CA4):c.862G>A (p.Gly288Ser)

Gene: CA4 (carbonic anhydrase 4; plus strand). Cytogenetic location: 17q23.1.
Variant type: single nucleotide variant.
Coding change: c.862G>A on transcript NM_000717.5 (MANE Select); coding-DNA position 862, G replaced by A.
Protein change: p.Gly288Ser; replaces glycine 288 with serine.
Molecular consequence: missense variant. On other transcripts: non-coding transcript variant (1).
Genome position (GRCh38, 1-based): chr17:60,159,347, G>A. VCF-style: chr17-60159347-G-A. GRCh37 (hg19) VCF-style: chr17-58236708-G-A.
Other names: c.862G>A (NM_000717.3); short protein forms G288S.
Identifiers: ClinVar variation 1510576 (VCV001510576.7), dbSNP rs1222138002, ClinGen allele CA400460720.

ClinVar aggregate classification (germline): Uncertain significance. Review status: criteria provided, multiple submitters, no conflicts (2 of 4 stars). 2 submissions from 2 submitters: Uncertain significance (2). Last evaluated 2025-03-26.

Allele frequency attached by ClinVar (database versions not stated): gnomAD exomes below 0.00001; gnomAD 0.00001; TOPMed 0.00001.
gnomAD v4.1: 4 of 1,609,862 alleles (0.00025%); highest among the groups gnomAD compares: Non-Finnish European, 0.00034%; no homozygotes.

Submissions (2):

Ambry Genetics
Classification: Uncertain significance. Last evaluated: 2025-03-26. Review status: criteria provided, single submitter. Criteria: Ambry Variant Classification Scheme 2023. Collection method: clinical testing. Allele origin: germline.

Labcorp Genetics (formerly Invitae), Labcorp
Classification: Uncertain significance. Last evaluated: 2025-02-10. Review status: criteria provided, single submitter. Criteria: Invitae Variant Classification Sherloc (09022015). Collection method: clinical testing. Allele origin: germline.
Comment: This sequence change replaces glycine, which is neutral and non-polar, with serine, which is neutral and polar, at codon 288 of the CA4 protein (p.Gly288Ser). This variant is not present in population databases (gnomAD no frequency). This variant has not been reported in the literature in individuals affected with CA4-related conditions. ClinVar contains an entry for this variant (Variation ID: 1510576). An algorithm developed to predict the effect of missense changes on protein structure and function (PolyPhen-2) suggests that this variant is likely to be disruptive. In summary, the available evidence is currently insufficient to determine the role of this variant in disease. Therefore, it has been classified as a Variant of Uncertain Significance.